The following is an entry in ClinVar:

NM_001371194.2(SEMA4D):c.1275G>A (p.Val425=)

Gene: SEMA4D (semaphorin 4D; minus strand). Cytogenetic location: 9q22.2.
Variant type: single nucleotide variant.
Coding change: c.1275G>A on transcript NM_001371194.2 (MANE Select); coding-DNA position 1275, G replaced by A.
Protein change: p.Val425=; no amino-acid change (valine 425 retained).
Molecular consequence: synonymous variant. On other transcripts: non-coding transcript variant (6).
Genome position (GRCh38, 1-based): chr9:89,387,441, C>T on the plus strand (G>A on the coding strand, the complement: SEMA4D is on the minus strand). VCF-style: chr9-89387441-C-T. GRCh37 (hg19) VCF-style: chr9-92002356-C-T.
Other names: c.1275G>A, p.Val425= (NM_001142287.2, NM_001371195.1, NM_001371196.1 and 7 more transcripts).
Identifiers: ClinVar variation 3051941 (VCV003051941.2), dbSNP rs575209730, ClinGen allele CA5118418.

ClinVar aggregate classification (germline): Likely benign (0 of 4 stars; one submission).

Conditions:
SEMA4D-related disorder. Also called: SEMA4D-related condition.

Allele frequency attached by ClinVar (database versions not stated): TOPMed 0.00002; gnomAD 0.00004; gnomAD exomes 0.00010; ExAC 0.00022; 1000 Genomes Project 0.00040; 1000 Genomes Project 30x 0.00047.
gnomAD v4.1: 157 of 1,614,236 alleles (0.0097%); highest among the groups gnomAD compares: South Asian, 0.16%; no homozygotes.

Submission:

PreventionGenetics, part of Exact Sciences
Classification: Likely benign for SEMA4D-related condition. Last evaluated: 2020-01-08. Review status: no assertion criteria provided. Collection method: clinical testing. Allele origin: germline.
Comment: This variant is classified as likely benign based on ACMG/AMP sequence variant interpretation guidelines (Richards et al. 2015 PMID: 25741868, with internal and published modifications).